The following is an entry in ClinVar:

NM_001006657.2(WDR35):c.1226C>T (p.Thr409Met)

Gene: WDR35 (WD repeat domain 35; minus strand). Cytogenetic location: 2p24.1.
Variant type: single nucleotide variant.
Coding change: c.1226C>T on transcript NM_001006657.2 (MANE Plus Clinical); coding-DNA position 1226, C replaced by T.
Protein change: p.Thr409Met; replaces threonine 409 with methionine.
Molecular consequence: missense variant. On other transcripts: intron variant (1).
Genome position (GRCh38, 1-based): chr2:19,962,296, G>A on the plus strand (C>T on the coding strand, the complement: WDR35 is on the minus strand). VCF-style: chr2-19962296-G-A. GRCh37 (hg19) VCF-style: chr2-20162057-G-A.
Other names: p.Thr409Met; c.1195-1682C>T (NM_020779.4); short protein forms T409M.
Identifiers: ClinVar variation 333395 (VCV000333395.19), dbSNP rs143430766, ClinGen allele CA1543308.

ClinVar aggregate classification (germline): Uncertain significance. Review status: criteria provided, multiple submitters, no conflicts (2 of 4 stars). 8 submissions from 7 submitters: Uncertain significance (8). Last evaluated 2024-11-11.

Conditions:
Cranioectodermal dysplasia 2 (CED2). Identifiers: Orphanet 1515, MedGen C3150874, MONDO:0013323, OMIM 613610.
Short-rib thoracic dysplasia 7 with or without polydactyly (SRTD7). Also called: Short rib polydactyly syndrome 5; SHORT-RIB THORACIC DYSPLASIA 7 WITH POLYDACTYLY. Identifiers: Orphanet 498497, Orphanet 93271, MedGen C3279792, MONDO:0013569, OMIM 614091.

Allele frequency attached by ClinVar (database versions not stated): ESP Exome Variant Server 0.00015; TOPMed 0.00015; gnomAD exomes 0.00017 and 0.00023; ExAC 0.00024; gnomAD 0.00026 and 0.00027.
gnomAD v4.1: 378 of 1,612,690 alleles (0.023%); highest among the groups gnomAD compares: Non-Finnish European, 0.029%; no homozygotes.

Submissions (8):

Labcorp Genetics (formerly Invitae), Labcorp
Classification: Uncertain significance for Cranioectodermal dysplasia 2; Short-rib thoracic dysplasia 7 with or without polydactyly. Last evaluated: 2024-11-11. Review status: criteria provided, single submitter. Criteria: Invitae Variant Classification Sherloc (09022015). Collection method: clinical testing. Allele origin: germline.
Comment: This sequence change replaces threonine, which is neutral and polar, with methionine, which is neutral and non-polar, at codon 409 of the WDR35 protein (p.Thr409Met). This variant is present in population databases (rs143430766, gnomAD 0.03%). This variant has not been reported in the literature in individuals affected with WDR35-related conditions. ClinVar contains an entry for this variant (Variation ID: 333395). Invitae Evidence Modeling of protein sequence and biophysical properties (such as structural, functional, and spatial information, amino acid conservation, physicochemical variation, residue mobility, and thermodynamic stability) indicates that this missense variant is not expected to disrupt WDR35 protein function with a negative predictive value of 95%. In summary, the available evidence is currently insufficient to determine the role of this variant in disease. Therefore, it has been classified as a Variant of Uncertain Significance.

GeneDx
Classification: Uncertain significance. Last evaluated: 2024-10-24. Review status: criteria provided, single submitter. Criteria: GeneDx Variant Classification Process June 2021. Collection method: clinical testing. Allele origin: germline. Affected: yes.
Comment: Observed as a de novo variant in a single patient with autism from a large cohort of individuals with neurodevelopmental disorders who underwent exome sequencing; however, this patient also possessed de novo variants in other genes (PMID: 31785789); In silico analysis indicates that this missense variant does not alter protein structure/function; In silico analysis is inconclusive as to whether the variant alters gene splicing. In the absence of RNA/functional studies, the actual effect of this sequence change is unknown.; This variant is associated with the following publications: (PMID: 31785789, 35982159)

Fulgent Genetics
Classification: Uncertain significance for Cranioectodermal dysplasia 2; Short-rib thoracic dysplasia 7 with or without polydactyly. Last evaluated: 2024-04-16. Review status: criteria provided, single submitter. Criteria: ACMG Guidelines, 2015. Collection method: clinical testing. Allele origin: germline.

Mayo Clinic Laboratories, Mayo Clinic
Classification: Uncertain significance. Last evaluated: 2022-12-29. Review status: criteria provided, single submitter. Criteria: ACMG Guidelines, 2015. Collection method: clinical testing. Allele origin: germline. Observed: 1 variant allele.

Eurofins Ntd Llc (ga)
Classification: Uncertain significance. Last evaluated: 2018-01-23. Review status: criteria provided, single submitter. Criteria: EGL Classification Definitions 2015. Collection method: clinical testing. Allele origin: germline. Observed: 1 variant allele, 1 heterozygote.

Illumina Laboratory Services, Illumina
Classification: Uncertain significance for Cranioectodermal dysplasia 2. Last evaluated: 2018-01-12. Review status: criteria provided, single submitter. Criteria: ICSL Variant Classification Criteria 13 December 2019. Collection method: clinical testing. Allele origin: germline.

Illumina Laboratory Services, Illumina
Classification: Uncertain significance for Short-rib thoracic dysplasia 7 with or without polydactyly. Last evaluated: 2018-01-12. Review status: criteria provided, single submitter. Criteria: ICSL Variant Classification Criteria 13 December 2019. Collection method: clinical testing. Allele origin: germline.

Breakthrough Genomics
Classification: Uncertain significance. Review status: criteria provided, single submitter. Criteria: ACMG Guidelines, 2015. Collection method: not provided. Allele origin: germline. Inheritance: Autosomal recessive inheritance. Affected: yes.

Literature cited by the submitters: PubMed 31785789 (cited by Mayo Clinic Laboratories, Mayo Clinic).